The following is an entry in ClinVar:

ClinVar aggregate classification (germline): Uncertain significance (1 of 4 stars; one submission).

gnomAD v4.1: 2 of 1,614,074 alleles (0.00012%); highest among the groups gnomAD compares: Non-Finnish European, 0.00017%; no homozygotes.

Submission:

Mayo Clinic Laboratories, Mayo Clinic
Classification: Uncertain significance. Last evaluated: 2023-01-12. Review status: criteria provided, single submitter. Criteria: ACMG Guidelines, 2015. Collection method: clinical testing. Allele origin: germline. Observed: 1 variant allele.
Comment: PM2

NM_153240.5(NPHP3):c.2992T>C (p.Trp998Arg)

Genes: NPHP3 (nephrocystin 3; minus strand), NPHP3-ACAD11 (NPHP3-ACAD11 readthrough (NMD candidate); minus strand). Cytogenetic location: 3q22.1.
Variant type: single nucleotide variant.
Coding change: c.2992T>C on transcript NM_153240.5 (MANE Select); coding-DNA position 2992, T replaced by C.
Protein change: p.Trp998Arg; replaces tryptophan 998 with arginine.
Molecular consequence: missense variant. On other transcripts: non-coding transcript variant (1).
Genome position (GRCh38, 1-based): chr3:132,688,783, A>G on the plus strand (T>C on the coding strand, the complement: NPHP3 is on the minus strand). VCF-style: chr3-132688783-A-G. GRCh37 (hg19) VCF-style: chr3-132407627-A-G.
Other names: p.Trp998Arg; short protein forms W998R.
Identifiers: ClinVar variation 2682844 (VCV002682844.1), dbSNP rs1289028401, ClinGen allele CA354580019.